The following is an entry in ClinVar:

ClinVar aggregate classification (germline): Pathogenic/Likely pathogenic. Review status: criteria provided, multiple submitters, no conflicts (2 of 4 stars). 2 submissions from 2 submitters: Pathogenic (1); Likely pathogenic (1). Last evaluated 2024-02-20.

Conditions:
Autosomal dominant Robinow syndrome 2. Identifiers: Orphanet 3107, Orphanet 97360, MedGen C4225363, MONDO:0014591, OMIM 616331.

Submissions (2):

Institute of Immunology and Genetics Kaiserslautern
Classification: Pathogenic for Autosomal dominant Robinow syndrome 2. Last evaluated: 2024-02-20. Review status: criteria provided, single submitter. Criteria: ACMG Guidelines, 2015. Collection method: clinical testing. Allele origin: de novo. Affected: yes.
Comment: ACMG Criteria: PVS1, PS2, PM2, PP5; Variant was found in heterozygous state

Lupski Lab, Baylor-Hopkins CMG, Baylor College of Medicine
Classification: Likely pathogenic for Autosomal dominant Robinow syndrome 2. Last evaluated: 2017-06-01. Review status: criteria provided, single submitter. Criteria: White et al. (Am J Hum Genet. 2018). Collection method: research. Allele origin: unknown. Affected: yes.

NM_001330311.2(DVL1):c.1571_1583del (p.Pro524fs)

Gene: DVL1 (dishevelled segment polarity protein 1; minus strand). Cytogenetic location: 1p36.33.
Variant type: Deletion.
Coding change: c.1571_1583del on transcript NM_001330311.2 (MANE Select); coding-DNA positions 1571 to 1583, 13 bases deleted (CGCTGCCCCACCC).
Protein change: p.Pro524fs; shifts the reading frame from proline 524.
Molecular consequence: frameshift variant.
Genome position (GRCh38, 1-based): chr1:1,338,108-1,338,120, GGGTGGGGCAGCG deleted on the plus strand (CGCTGCCCCACCC on the coding strand, the reverse complement: DVL1 is on the minus strand); deleting any 13 consecutive bases within chr1:1,338,108-1,338,123 gives the same sequence; the c. name uses the placement nearest the transcript's 3' end. VCF-style (leftmost placement, unchanged base first): chr1-1338107-CGGGTGGGGCAGCG-C. GRCh37 (hg19) VCF-style: chr1-1273487-CGGGTGGGGCAGCG-C.
Other names: c.1496_1508del, p.Pro499fs (NM_004421.3); short protein forms P499fs, P524fs.
Identifiers: ClinVar variation 488047 (VCV000488047.2), dbSNP rs1553173420, ClinGen allele CA658655626.